The following is an entry in ClinVar:

ClinVar aggregate classification (germline): Benign. Review status: criteria provided, multiple submitters, no conflicts (2 of 4 stars). 2 submissions from 2 submitters: Benign (2). Last evaluated 2018-06-19.

Allele frequency attached by ClinVar (database versions not stated): 1000 Genomes Project 0.18051; 1000 Genomes Project 30x 0.18317; gnomAD 0.18594 and 0.18859; TOPMed 0.19974.
gnomAD v4.1: 258,301 of 1,567,762 alleles (16%); highest among the groups gnomAD compares: African/African-American, 29%; 23,260 homozygotes.

Submissions (2):

GeneDx
Classification: Benign. Last evaluated: 2018-06-19. Review status: criteria provided, single submitter. Criteria: GeneDx Variant Classification (06012015). Collection method: clinical testing. Allele origin: germline. Affected: yes.
Comment: This variant is considered likely benign or benign based on one or more of the following criteria: it is a conservative change, it occurs at a poorly conserved position in the protein, it is predicted to be benign by multiple in silico algorithms, and/or has population frequency not consistent with disease.

Breakthrough Genomics
Classification: Benign. Review status: criteria provided, single submitter. Criteria: ACMG Guidelines, 2015. Collection method: not provided. Allele origin: germline. Inheritance: Autosomal recessive inheritance. Affected: yes.

NM_006736.6(DNAJB2):c.445+81C>T

Gene: DNAJB2 (DnaJ heat shock protein family (Hsp40) member B2; plus strand). Cytogenetic location: 2q35.
Variant type: single nucleotide variant.
Coding change: c.445+81C>T on transcript NM_006736.6 (MANE Select); 81 bases into the intron after coding-DNA position 445, C replaced by T.
Molecular consequence: intron variant.
Genome position (GRCh38, 1-based): chr2:219,283,010, C>T. VCF-style: chr2-219283010-C-T. GRCh37 (hg19) VCF-style: chr2-220147732-C-T.
Other names: c.445+81C>T (NM_001039550.2).
Identifiers: ClinVar variation 680751 (VCV000680751.2), dbSNP rs2276639, ClinGen allele CA11098364.